The following is an entry in ClinVar:

NM_001370298.3(FGD4):c.2663del (p.Pro888fs)

Gene: FGD4 (FYVE, RhoGEF and PH domain containing 4; plus strand). Cytogenetic location: 12p11.21.
Variant type: Deletion.
Coding change: c.2663del on transcript NM_001370298.3 (MANE Select); coding-DNA position 2663, one base deleted (C; older notation c.2663delC).
Protein change: p.Pro888fs; shifts the reading frame from proline 888.
Molecular consequence: frameshift variant. On other transcripts: intron variant (3).
Genome position (GRCh38, 1-based): chr12:32,640,484, C deleted; the last of 2 consecutive C bases (chr12:32,640,483-32,640,484); deleting either gives the same sequence. VCF-style (leftmost placement, unchanged base first): chr12-32640482-TC-T. GRCh37 (hg19) VCF-style: chr12-32793416-TC-T.
Other names: c.2507delC, p.Pro836Glnfs (NM_001304481.2); c.1220del, p.Pro407fs (NM_001304484.2); c.1973del, p.Pro658fs (NM_001330373.2, NM_001330374.2, NM_001384130.1); c.1700del, p.Pro567fs (NM_001370297.1); c.2252del, p.Pro751fs (NM_001385118.1, NM_139241.3); c.2632+31del (NM_001384126.1); c.2221+31del (NM_001384127.1, NM_001384128.1); short protein forms P407fs, P567fs, P658fs, P751fs, P836fs, P888fs.
Identifiers: ClinVar variation 1518349 (VCV001518349.6), dbSNP rs745923777, ClinGen allele CA6507136.
Genomic context (GRCh38, chr12:32,640,482, plus strand): 5'-GTGGCTGAAAGTCATCCTTTTAGCTGTCACAGGTGAGACACCAGGTGGTCCAAATGAGCA[TC>T]CAGCCACCTTGGATGATCATCCTGAACCTAAGAAAAAATCAGAATGCTGAACTCCTCCAG-3'

ClinVar aggregate classification (germline): Uncertain significance (1 of 4 stars; one submission).

Conditions:
Charcot-Marie-Tooth disease type 4. Also called: Charcot-Marie-Tooth, Type 4; Charcot-Marie-Tooth disease, type IV. Identifiers: Orphanet 64749, MedGen C4082197, MONDO:0018995.

Submission:

Labcorp Genetics (formerly Invitae), Labcorp
Classification: Uncertain significance for Charcot-Marie-Tooth disease type 4. Last evaluated: 2021-05-20. Review status: criteria provided, single submitter. Criteria: Invitae Variant Classification Sherloc (09022015). Collection method: clinical testing. Allele origin: germline.
Comment: In summary, the available evidence is currently insufficient to determine the role of this variant in disease. Therefore, it has been classified as a Variant of Uncertain Significance. Experimental studies and prediction algorithms are not available or were not evaluated, and the functional significance of this variant is currently unknown. This variant has not been reported in the literature in individuals with FGD4-related conditions. This variant is present in population databases (rs745923777, ExAC 0.009%). This sequence change results in a frameshift in the FGD4 gene (p.Pro751Glnfs*44). While this is not anticipated to result in nonsense mediated decay, it is expected to disrupt the last 16 amino acid(s) of the FGD4 protein and extend the protein by 27 additional amino acid residues.